The following is an entry in ClinVar:

NM_003743.5(NCOA1):c.1500G>A (p.Arg500=)

Gene: NCOA1 (nuclear receptor coactivator 1; plus strand). Cytogenetic location: 2p23.3.
Variant type: single nucleotide variant.
Coding change: c.1500G>A on transcript NM_003743.5 (MANE Select); coding-DNA position 1500, G replaced by A.
Protein change: p.Arg500=; no amino-acid change (arginine 500 retained).
Molecular consequence: synonymous variant.
Genome position (GRCh38, 1-based): chr2:24,706,970, G>A. VCF-style: chr2-24706970-G-A. GRCh37 (hg19) VCF-style: chr2-24929839-G-A.
Other names: c.1500G>A, p.Arg500= (NM_001362950.1, NM_001362952.1, NM_001362954.1 and 3 more transcripts).
Identifiers: ClinVar variation 3349841 (VCV003349841.1).

ClinVar aggregate classification (germline): Likely benign (0 of 4 stars; one submission).

Conditions:
NCOA1-related disorder. Also called: NCOA1-related condition.

gnomAD v4.1: 5 of 1,614,122 alleles (0.00031%); highest among the groups gnomAD compares: South Asian, 0.0011%; no homozygotes.

Submission:

PreventionGenetics, part of Exact Sciences
Classification: Likely benign for NCOA1-related condition. Last evaluated: 2020-01-10. Review status: no assertion criteria provided. Collection method: clinical testing. Allele origin: germline.
Comment: This variant is classified as likely benign based on ACMG/AMP sequence variant interpretation guidelines (Richards et al. 2015 PMID: 25741868, with internal and published modifications).